The following is an entry in ClinVar:

ClinVar aggregate classification (germline): Conflicting classifications of pathogenicity. Review status: criteria provided, conflicting classifications (1 of 4 stars). 3 submissions from 3 submitters: Pathogenic (1); Uncertain significance (1). 1 of the submissions does not count toward it. Last evaluated 2025-01-16.

Conditions:
Leukoencephalopathy without lacunae, adult-onset. Identifiers: MedGen C6065932, MONDO:0980752, OMIM 621424.
Leukodystrophy. Identifiers: Orphanet 68356, MedGen C0023520, MONDO:0019046, HP:0002415.

Submissions (3):

Victorian Clinical Genetics Services, Murdoch Childrens Research Institute
Classification: Pathogenic for Leukodystrophy. Last evaluated: 2025-01-16. Review status: criteria provided, single submitter. Criteria: ACMG Guidelines, 2015. Collection method: clinical testing. Allele origin: germline. Affected: yes.
Comment: This variant is classified as Pathogenic. Evidence in support of pathogenic classification: Variant is predicted to result in a truncated protein (premature termination codon is NOT located at least 54 nucleotides upstream of the final exon-exon junction) with less than 1/3 of the protein sequence affected; Variant is absent from gnomAD (v2, v3 and v4); This variant has limited previous evidence of pathogenicity in unrelated individuals. This variant has moderate functional evidence supporting abnormal protein function. Functional studies have shown this variant results in a truncated protein which is unable to be secreted (PMID: 34606115); Other variants resulting in a protein truncation comparable to the one identified in this case have strong previous evidence for pathogenicity. Several downstream truncating variants have been reported in the literature, most were in individuals with LAMB1-related phenotypes (PMID: 34606115, personal communication). Additional information: This variant is heterozygous; This gene is associated with both recessive and dominant disease. Lissencephaly 5 (MIM#615191) is associated with autosomal recessive inheritance (OMIM). Leukodystrophy (MONDO:0019046), LAMB1-related has been reported in families with monoallelic variants (PMID: 34606115); Segregation evidence for this variant is inconclusive. Segregation evidence is insufficient to determine if the variant segregates with disease (PMID: 34606115); Variant is not located in an established domain, motif, hotspot or informative constraint region; Loss of function is a known mechanism of disease in this gene and is associated with lissencephaly 5 (MIM#615191). Dominant negative is the suggested mechanism for leukodystrophy (MONDO:0019046), LAMB1-related, however, no functional studies have been performed to confirm dominant negative as a mechanism of disease (PMID: 34606115); Inheritance information for this variant is not currently available in this individual.

Labcorp Genetics (formerly Invitae), Labcorp
Classification: Uncertain significance. Last evaluated: 2021-12-02. Review status: criteria provided, single submitter. Criteria: Invitae Variant Classification Sherloc (09022015). Collection method: clinical testing. Allele origin: germline.
Comment: This sequence change creates a premature translational stop signal (p.Leu1730Serfs*5) in the LAMB1 gene. While this is not anticipated to result in nonsense mediated decay, it is expected to disrupt the last 57 amino acid(s) of the LAMB1 protein. This variant is not present in population databases (gnomAD no frequency). This variant has not been reported in the literature in individuals affected with LAMB1-related conditions. Experimental studies and prediction algorithms are not available or were not evaluated, and the functional significance of this variant is currently unknown. In summary, the available evidence is currently insufficient to determine the role of this variant in disease. Therefore, it has been classified as a Variant of Uncertain Significance.

OMIM
Classification: Pathogenic for LEUKOENCEPHALOPATHY WITHOUT LACUNAE, ADULT-ONSET. Last evaluated: 2025-11-26. Review status: no assertion criteria provided. Collection method: literature only. Allele origin: germline. Not counted in ClinVar's aggregate classification.

Literature cited by the submitters: PubMed 34606115 (cited by Victorian Clinical Genetics Services, Murdoch Childrens Research Institute and OMIM).

NM_002291.3(LAMB1):c.5188_5189del (p.Leu1730fs)

Gene: LAMB1 (laminin subunit beta 1; minus strand). Cytogenetic location: 7q31.1.
Variant type: Deletion.
Coding change: c.5188_5189del on transcript NM_002291.3 (MANE Select); coding-DNA positions 5188 to 5189, 2 bases deleted (TT; older notation c.5188_5189delTT).
Protein change: p.Leu1730fs; shifts the reading frame from leucine 1730.
Molecular consequence: frameshift variant.
Genome position (GRCh38, 1-based): chr7:107,924,265-107,924,266, AA deleted on the plus strand (TT on the coding strand, the reverse complement: LAMB1 is on the minus strand); deleting any 2 consecutive bases within chr7:107,924,265-107,924,268 gives the same sequence; the c. name uses the placement nearest the transcript's 3' end. VCF-style (leftmost placement, unchanged base first): chr7-107924264-TAA-T. GRCh37 (hg19) VCF-style: chr7-107564709-TAA-T.
Other names: short protein forms L1730fs.
Identifiers: ClinVar variation 1366041 (VCV001366041.8), dbSNP rs2116300979, ClinGen allele CA2573141460.